The following is an entry in ClinVar:

ClinVar aggregate classification (germline): Pathogenic/Likely pathogenic. Review status: criteria provided, multiple submitters, no conflicts (2 of 4 stars). 5 submissions from 5 submitters: Pathogenic (3); Likely pathogenic (2). Last evaluated 2026-07-20.

Conditions:
Fanconi anemia (FA). Also called: Fanconi's anemia. Identifiers: Orphanet 84, MedGen C0015625, MeSH D005199, MONDO:0019391.
Fanconi anemia complementation group D2. Also called: FANCD2-Related Fanconi Anemia; FANCONI PANCYTOPENIA, TYPE 4; FANCONI ANEMIA, COMPLEMENTATION GROUP D. Identifiers: Orphanet 84, MedGen C3160738, MONDO:0009214, OMIM 227646.
Fanconi anemia complementation group G. Also called: Fanconi anemia group G; FANCG-Related Fanconi Anemia. Identifiers: Orphanet 84, MedGen C3469527, MONDO:0013565, OMIM 614082.

Allele frequency attached by ClinVar (database versions not stated): gnomAD exomes below 0.00001.

Submissions (5):

Institute of Human Genetics, University of Leipzig Medical Center
Classification: Pathogenic for Fanconi anemia complementation group D2. Last evaluated: 2026-07-20. Review status: criteria provided, single submitter. Criteria: ACMG Guidelines, 2015. Collection method: clinical testing. Allele origin: unknown. Inheritance: Autosomal recessive inheritance. Affected: yes.
Comment: Criteria applied: PVS1,PM2_SUP,PM3_SUP

3billion
Classification: Pathogenic for Fanconi anemia complementation group G. Last evaluated: 2025-05-19. Review status: criteria provided, single submitter. Criteria: ACMG Guidelines, 2015. Collection method: clinical testing. Allele origin: germline. Affected: yes.
Comment: The variant is observed at an extremely low frequency in the gnomAD v4.1.0 dataset (total allele frequency: <0.001%). Predicted Consequence/Location: Stop-gained (nonsense): predicted to result in a loss or disruption of normal protein function through nonsense-mediated decay (NMD) or protein truncation. Multiple pathogenic variants are reported downstream of the variant. The variant has been reported at least twice as pathogenic with clinical assertions and evidence for the classification (ClinVar ID: VCV001679122 /PMID: 36900003). Therefore, this variant is classified as Pathogenic according to the recommendation of ACMG/AMP guideline.

Labcorp Genetics (formerly Invitae), Labcorp
Classification: Pathogenic for Fanconi anemia. Last evaluated: 2023-09-10. Review status: criteria provided, single submitter. Criteria: Invitae Variant Classification Sherloc (09022015). Collection method: clinical testing. Allele origin: germline.
Comment: This variant is not present in population databases (gnomAD no frequency). This sequence change creates a premature translational stop signal (p.Arg39*) in the FANCG gene. It is expected to result in an absent or disrupted protein product. Loss-of-function variants in FANCG are known to be pathogenic (PMID: 12552564). For these reasons, this variant has been classified as Pathogenic. ClinVar contains an entry for this variant (Variation ID: 1679122). This variant has not been reported in the literature in individuals affected with FANCG-related conditions.

Baylor Genetics
Classification: Likely pathogenic for Fanconi anemia complementation group G. Last evaluated: 2021-11-17. Review status: criteria provided, single submitter. Criteria: ACMG Guidelines, 2015. Collection method: clinical testing. Allele origin: unknown.

Fulgent Genetics
Classification: Likely pathogenic for Fanconi anemia complementation group G. Last evaluated: 2021-09-29. Review status: criteria provided, single submitter. Criteria: ACMG Guidelines, 2015. Collection method: clinical testing. Allele origin: unknown.

Literature cited by the submitters: PubMed 36900003 (cited by 3billion); PubMed 12552564 (cited by Labcorp Genetics (formerly Invitae), Labcorp).

NM_004629.2(FANCG):c.115C>T (p.Arg39Ter)

Gene: FANCG (FA complementation group G; minus strand). Cytogenetic location: 9p13.3.
Variant type: single nucleotide variant.
Coding change: c.115C>T on transcript NM_004629.2 (MANE Select); coding-DNA position 115, C replaced by T.
Protein change: p.Arg39Ter; replaces arginine 39 with a stop codon.
Molecular consequence: nonsense.
Genome position (GRCh38, 1-based): chr9:35,079,211, G>A on the plus strand (C>T on the coding strand, the complement: FANCG is on the minus strand). VCF-style: chr9-35079211-G-A. GRCh37 (hg19) VCF-style: chr9-35079208-G-A.
Other names: short protein forms R39*.
Identifiers: ClinVar variation 1679122 (VCV001679122.8), dbSNP rs1384748892, ClinGen allele CA373315735.
Genomic context (GRCh38, chr9:35,079,211, plus strand): 5'-CTTGCAGACTATGGAGGAGCCCTCTGAGCCCTTCCAGTGCATCCTGAGCCAACTGCTGTC[G>A]CCTCAGAGTCAGACCGGAGTTCTGAGCCACCTGCCACATGAGGGAGGGGTTGTCACTGAG-3'